The following is an entry in ClinVar:

ClinVar aggregate classification (germline): Uncertain significance (1 of 4 stars; one submission).

Submission:

Labcorp Genetics (formerly Invitae), Labcorp
Classification: Uncertain significance. Last evaluated: 2025-10-08. Review status: criteria provided, single submitter. Criteria: Invitae Variant Classification Sherloc (09022015). Collection method: clinical testing. Allele origin: germline.
Comment: This sequence change replaces glutamic acid, which is acidic and polar, with alanine, which is neutral and non-polar, at codon 218 of the AMER1 protein (p.Glu218Ala). This variant is not present in population databases (gnomAD no frequency). This variant has not been reported in the literature in individuals affected with AMER1-related conditions. An algorithm developed to predict the effect of missense changes on protein structure and function (PolyPhen-2) suggests that this variant is likely to be tolerated. In summary, the available evidence is currently insufficient to determine the role of this variant in disease. Therefore, it has been classified as a Variant of Uncertain Significance.

NM_152424.4(AMER1):c.653A>C (p.Glu218Ala)

Gene: AMER1 (APC membrane recruitment protein 1; minus strand). Cytogenetic location: Xq11.2.
Variant type: single nucleotide variant.
Coding change: c.653A>C on transcript NM_152424.4 (MANE Select); coding-DNA position 653, A replaced by C.
Protein change: p.Glu218Ala; replaces glutamic acid 218 with alanine.
Molecular consequence: missense variant.
Genome position (GRCh38, 1-based): chrX:64,192,634, T>G on the plus strand (A>C on the coding strand, the complement: AMER1 is on the minus strand). VCF-style: chrX-64192634-T-G. GRCh37 (hg19) VCF-style: chrX-63412514-T-G.
Other names: short protein forms E218A.
Identifiers: ClinVar variation 4728301 (VCV004728301.1).
Genomic context (GRCh38, chrX:64,192,634, plus strand): 5'-TTTGGCCCAGGGGCATCTTGGGGGTTAGCATTTTCCTTTCTAGGGGCTTGGAAGGTCTCC[T>G]CAAAGCAGGGCACCTGAGGGGCTGAGCTCACGTGCTCATGAGGCCTGGCTCTGACCCTCT-3'
Protein context (NP_689637.3, residues 208-228): VSSAPQVPCF[Glu218Ala]ETFQAPRKEN